The following is an entry in ClinVar:

NM_001042424.3(NSD2):c.3372+4A>G

Gene: NSD2 (nuclear receptor binding SET domain protein 2; plus strand). Cytogenetic location: 4p16.3.
Variant type: single nucleotide variant.
Coding change: c.3372+4A>G on transcript NM_001042424.3 (MANE Select); 4 bases into the intron after coding-DNA position 3372, A replaced by G.
Molecular consequence: intron variant.
Genome position (GRCh38, 1-based): chr4:1,961,155, A>G. VCF-style: chr4-1961155-A-G. GRCh37 (hg19) VCF-style: chr4-1962882-A-G.
Other names: c.3372+4A>G (NM_133330.3, NM_133331.3, NM_133335.4).
Identifiers: ClinVar variation 1803326 (VCV001803326.1), dbSNP rs2474670197, ClinGen allele CA2580070699.

ClinVar aggregate classification (germline): Uncertain significance (1 of 4 stars; one submission).

Submission:

GeneDx
Classification: Uncertain significance. Last evaluated: 2022-06-08. Review status: criteria provided, single submitter. Criteria: GeneDx Variant Classification Process June 2021. Collection method: clinical testing. Allele origin: germline. Affected: yes.
Comment: Not observed at significant frequency in large population cohorts (gnomAD); In silico analysis supports that this variant does not alter splicing; Nucleotide substitution has no predicted effect on splicing and is not conserved across species; Has not been previously published as pathogenic or benign to our knowledge